The following is an entry in ClinVar:

ClinVar aggregate classification (germline): Pathogenic (1 of 4 stars; one submission).

Conditions:
Tuberous sclerosis 2 (TSC2). Identifiers: Orphanet 805, MedGen C1860707, MONDO:0013199, OMIM 613254.

Submission:

Labcorp Genetics (formerly Invitae), Labcorp
Classification: Pathogenic for Tuberous sclerosis 2. Last evaluated: 2024-04-27. Review status: criteria provided, single submitter. Criteria: Invitae Variant Classification Sherloc (09022015). Collection method: clinical testing. Allele origin: germline.
Comment: This sequence change affects a donor splice site in intron 10 of the TSC2 gene. It is expected to disrupt RNA splicing. Variants that disrupt the donor or acceptor splice site typically lead to a loss of protein function (PMID: 16199547), and loss-of-function variants in TSC2 are known to be pathogenic (PMID: 10205261, 17304050). This variant is not present in population databases (gnomAD no frequency). Disruption of this splice site has been observed in individuals with clinical features of tuberous sclerosis complex (PMID: 23254740, 28968464; Invitae). Algorithms developed to predict the effect of sequence changes on RNA splicing suggest that this variant may disrupt the consensus splice site. For these reasons, this variant has been classified as Pathogenic.

Literature cited by the submitters: PubMed 16199547; PubMed 10205261; PubMed 17304050; PubMed 23254740; PubMed 28968464.

NM_000548.5(TSC2):c.975+1G>C

Gene: TSC2 (TSC complex subunit 2; plus strand). Cytogenetic location: 16p13.3.
Variant type: single nucleotide variant.
Coding change: c.975+1G>C on transcript NM_000548.5 (MANE Select); the canonical splice donor site of the intron after coding-DNA position 975, G replaced by C.
Molecular consequence: splice donor variant.
Genome position (GRCh38, 1-based): chr16:2,058,874, G>C. VCF-style: chr16-2058874-G-C. GRCh37 (hg19) VCF-style: chr16-2108875-G-C.
Other names: c.-457+1G>C (NM_001406693.1, NM_001406689.1, NM_001406690.1 and 4 more transcripts); c.1065+1G>C (NM_001406667.1, NM_001406668.1); c.375+1G>C (NM_001406680.1, NM_001406683.1, NM_001406687.1 and 6 more transcripts); c.-633+1G>C (NM_001406698.1); c.975+1G>C (NM_001114382.3, NM_001406663.1, NM_001406664.1 and 6 more transcripts); c.-338+1G>C (NM_001406694.1, NM_001406695.1); c.963+1G>C (NM_001406671.1, NM_001406673.1); c.513+1G>C (NM_001406681.1); and 4 more.
Identifiers: ClinVar variation 3649418 (VCV003649418.2).